The following is an entry in ClinVar:

ClinVar aggregate classification (germline): Uncertain significance. Review status: criteria provided, multiple submitters, no conflicts (2 of 4 stars). 2 submissions from 2 submitters: Uncertain significance (2). Last evaluated 2025-01-27.

Conditions:
Hereditary cancer-predisposing syndrome. Also called: Hereditary Cancer Syndrome; Hereditary neoplastic syndrome; Neoplastic Syndromes, Hereditary; Tumor predisposition. Identifiers: Orphanet 140162, MedGen C0027672, MeSH D009386, MONDO:0015356.

Submissions (2):

Ambry Genetics
Classification: Uncertain significance for Hereditary cancer-predisposing syndrome. Last evaluated: 2025-01-27. Review status: criteria provided, single submitter. Criteria: Ambry Variant Classification Scheme 2023. Collection method: clinical testing. Allele origin: germline.
Comment: The p.H1918L variant (also known as c.5753A>T), located in coding exon 10 of the BRCA2 gene, results from an A to T substitution at nucleotide position 5753. The histidine at codon 1918 is replaced by leucine, an amino acid with similar properties. This amino acid position is not well conserved in available vertebrate species. In addition, this alteration is predicted to be tolerated by in silico analysis. Based on the available evidence, the clinical significance of this variant remains unclear.

Women's Health and Genetics/Laboratory Corporation of America, LabCorp
Classification: Uncertain significance. Last evaluated: 2023-05-22. Review status: criteria provided, single submitter. Criteria: LabCorp Variant Classification Summary - May 2015. Collection method: clinical testing. Allele origin: germline.
Comment: Variant summary: BRCA2 c.5753A>T (p.His1918Leu) results in a non-conservative amino acid change in the encoded protein sequence. Four of five in-silico tools predict a benign effect of the variant on protein function. The variant was absent in 250902 control chromosomes. The available data on variant occurrences in the general population are insufficient to allow any conclusion about variant significance. To our knowledge, no occurrence of c.5753A>T in individuals affected with Prostate Cancer and no experimental evidence demonstrating its impact on protein function have been reported. No clinical diagnostic laboratories have submitted clinical-significance assessments for this variant to ClinVar after 2014. Based on the evidence outlined above, the variant was classified as uncertain significance.

NM_000059.4(BRCA2):c.5753A>T (p.His1918Leu)

Gene: BRCA2 (BRCA2 DNA repair associated; plus strand). Cytogenetic location: 13q13.1.
Variant type: single nucleotide variant.
Coding change: c.5753A>T on transcript NM_000059.4 (MANE Select); coding-DNA position 5753, A replaced by T.
Protein change: p.His1918Leu; replaces histidine 1918 with leucine.
Molecular consequence: missense variant. On other transcripts: non-coding transcript variant (1), intron variant (2).
Genome position (GRCh38, 1-based): chr13:32,340,108, A>T. VCF-style: chr13-32340108-A-T. GRCh37 (hg19) VCF-style: chr13-32914245-A-T.
Other names: c.5753A>T, p.His1918Leu (NM_001406719.1, NM_001406720.1); c.1910-4450A>T (NM_001406721.1); c.425-4450A>T (NM_001406722.1); short protein forms H1918L.
Identifiers: ClinVar variation 2506262 (VCV002506262.2), dbSNP rs80358804, ClinGen allele CA387787030.